The following is an entry in ClinVar:

NM_005076.5(CNTN2):c.2629G>A (p.Gly877Ser)

Gene: CNTN2 (contactin 2; plus strand). Cytogenetic location: 1q32.1.
Variant type: single nucleotide variant.
Coding change: c.2629G>A on transcript NM_005076.5 (MANE Select); coding-DNA position 2629, G replaced by A.
Protein change: p.Gly877Ser; replaces glycine 877 with serine.
Molecular consequence: missense variant. On other transcripts: non-coding transcript variant (1).
Genome position (GRCh38, 1-based): chr1:205,072,031, G>A. VCF-style: chr1-205072031-G-A. GRCh37 (hg19) VCF-style: chr1-205041159-G-A.
Other names: c.2629G>A, p.Gly877Ser (NM_001346083.2); short protein forms G877S.
Identifiers: ClinVar variation 647798 (VCV000647798.8), dbSNP rs146145490, ClinGen allele CA1351749.

ClinVar aggregate classification (germline): Uncertain significance. Review status: criteria provided, multiple submitters, no conflicts (2 of 4 stars). 2 submissions from 2 submitters: Uncertain significance (2). Last evaluated 2026-02-02.

Conditions:
Epilepsy, familial adult myoclonic, 5 (EPEO5). Also called: CORTICAL MYOCLONIC TREMOR WITH EPILEPSY, FAMILIAL, 5. Identifiers: Orphanet 86814, MedGen C3809374, MONDO:0014167, OMIM 615400.

Allele frequency attached by ClinVar (database versions not stated): gnomAD exomes 0.00006 and 0.00016; ExAC 0.00007; gnomAD 0.00011; TOPMed 0.00012; ESP Exome Variant Server 0.00023.
gnomAD v4.1: 253 of 1,614,030 alleles (0.016%); highest among the groups gnomAD compares: Non-Finnish European, 0.021%; no homozygotes.

Submissions (2):

Labcorp Genetics (formerly Invitae), Labcorp
Classification: Uncertain significance for Epilepsy, familial adult myoclonic, 5. Last evaluated: 2026-02-02. Review status: criteria provided, single submitter. Criteria: Invitae Variant Classification Sherloc (09022015). Collection method: clinical testing. Allele origin: germline.
Comment: This sequence change replaces glycine, which is neutral and non-polar, with serine, which is neutral and polar, at codon 877 of the CNTN2 protein (p.Gly877Ser). This variant is present in population databases (rs146145490, gnomAD 0.01%). This variant has not been reported in the literature in individuals affected with CNTN2-related conditions. ClinVar contains an entry for this variant (Variation ID: 647798). Invitae Evidence Modeling of protein sequence and biophysical properties (such as structural, functional, and spatial information, amino acid conservation, physicochemical variation, residue mobility, and thermodynamic stability) indicates that this missense variant is not expected to disrupt CNTN2 protein function with a negative predictive value of 95%. In summary, the available evidence is currently insufficient to determine the role of this variant in disease. Therefore, it has been classified as a Variant of Uncertain Significance.

Ambry Genetics
Classification: Uncertain significance. Last evaluated: 2025-12-10. Review status: criteria provided, single submitter. Criteria: Ambry Variant Classification Scheme 2023. Collection method: clinical testing. Allele origin: germline.